The following is an entry in ClinVar:

NM_000179.3(MSH6):c.3271C>T (p.Leu1091Phe)

Gene: MSH6 (mutS homolog 6; plus strand). Cytogenetic location: 2p16.3.
Variant type: single nucleotide variant.
Coding change: c.3271C>T on transcript NM_000179.3 (MANE Select); coding-DNA position 3271, C replaced by T.
Protein change: p.Leu1091Phe; replaces leucine 1091 with phenylalanine.
Molecular consequence: missense variant.
Genome position (GRCh38, 1-based): chr2:47,803,518, C>T. VCF-style: chr2-47803518-C-T. GRCh37 (hg19) VCF-style: chr2-48030657-C-T.
Other names: c.2881C>T, p.Leu961Phe (NM_001281492.2); c.2365C>T, p.Leu789Phe (NM_001281493.2, NM_001281494.2); short protein forms L1091F, L789F, L961F.
Identifiers: ClinVar variation 479888 (VCV000479888.8), dbSNP rs1060502914, ClinGen allele CA346758246.
Genomic context (GRCh38, chr2:47,803,518, plus strand): 5'-GATGGTCCTATGTGTCGCCCAGTAATTCTGTTGCCGGAAGATACCCCCCCCTTCTTAGAG[C>T]TTAAAGGATCACGCCATCCTTGCATTACGAAGACTTTTTTTGGAGATGATTTTATTCCTA-3'
Protein context (NP_000170.1, residues 1081-1101): LPEDTPPFLE[Leu1091Phe]KGSRHPCITK

ClinVar aggregate classification (germline): Uncertain significance. Review status: criteria provided, multiple submitters, no conflicts (2 of 4 stars). 2 submissions from 2 submitters: Uncertain significance (2). Last evaluated 2023-05-22.

Conditions:
Hereditary nonpolyposis colorectal neoplasms. Identifiers: MedGen C0009405, MeSH D003123.
Hereditary cancer-predisposing syndrome. Also called: Hereditary Cancer Syndrome; Neoplastic Syndromes, Hereditary; Tumor predisposition; Hereditary neoplastic syndrome. Identifiers: Orphanet 140162, MedGen C0027672, MeSH D009386, MONDO:0015356.

Allele frequency attached by ClinVar (database versions not stated): TOPMed below 0.00001.

Submissions (2):

Labcorp Genetics (formerly Invitae), Labcorp
Classification: Uncertain significance for Hereditary nonpolyposis colorectal neoplasms. Last evaluated: 2023-05-22. Review status: criteria provided, single submitter. Criteria: Invitae Variant Classification Sherloc (09022015). Collection method: clinical testing. Allele origin: germline.
Comment: In summary, the available evidence is currently insufficient to determine the role of this variant in disease. Therefore, it has been classified as a Variant of Uncertain Significance. This sequence change replaces leucine, which is neutral and non-polar, with phenylalanine, which is neutral and non-polar, at codon 1091 of the MSH6 protein (p.Leu1091Phe). This variant is not present in population databases (gnomAD no frequency). This variant has not been reported in the literature in individuals affected with MSH6-related conditions. ClinVar contains an entry for this variant (Variation ID: 479888). Advanced modeling of protein sequence and biophysical properties (such as structural, functional, and spatial information, amino acid conservation, physicochemical variation, residue mobility, and thermodynamic stability) performed at Invitae indicates that this missense variant is not expected to disrupt MSH6 protein function.

Ambry Genetics
Classification: Uncertain significance for Hereditary cancer-predisposing syndrome. Last evaluated: 2021-11-17. Review status: criteria provided, single submitter. Criteria: Ambry Variant Classification Scheme 2023. Collection method: clinical testing. Allele origin: germline.
Comment: The p.L1091F variant (also known as c.3271C>T), located in coding exon 5 of the MSH6 gene, results from a C to T substitution at nucleotide position 3271. The leucine at codon 1091 is replaced by phenylalanine, an amino acid with highly similar properties. This amino acid position is highly conserved in available vertebrate species. In addition, the in silico prediction for this alteration is inconclusive. Since supporting evidence is limited at this time, the clinical significance of this alteration remains unclear.